The following is an entry in ClinVar:

NM_001190.4(BCAT2):c.1141-7T>G

Genes: BCAT2 (branched chain amino acid transaminase 2; minus strand), LOC130064882 (ATAC-STARR-seq lymphoblastoid active region 14907; plus strand). Cytogenetic location: 19q13.33.
Variant type: single nucleotide variant.
Coding change: c.1141-7T>G on transcript NM_001190.4 (MANE Select); 7 bases into the intron before coding-DNA position 1141, T replaced by G.
Molecular consequence: intron variant.
Genome position (GRCh38, 1-based): chr19:48,795,471, A>C on the plus strand (T>G on the coding strand, the complement: BCAT2 is on the minus strand). VCF-style: chr19-48795471-A-C. GRCh37 (hg19) VCF-style: chr19-49298728-A-C.
Other names: c.865-7T>G (NM_001164773.2); c.1021-7T>G (NM_001284325.2).
Identifiers: ClinVar variation 1900632 (VCV001900632.4), dbSNP rs781190142, ClinGen allele CA9558128.

ClinVar aggregate classification (germline): Uncertain significance (1 of 4 stars; one submission).

Allele frequency attached by ClinVar (database versions not stated): gnomAD exomes below 0.00001; ExAC 0.00001.
gnomAD v4.1: 2 of 1,613,834 alleles (0.00012%); highest among the groups gnomAD compares: Admixed American, 0.0033%; no homozygotes.

Submission:

Labcorp Genetics (formerly Invitae), Labcorp
Classification: Uncertain significance. Last evaluated: 2024-10-21. Review status: criteria provided, single submitter. Criteria: Invitae Variant Classification Sherloc (09022015). Collection method: clinical testing. Allele origin: germline.
Comment: This sequence change falls in intron 10 of the BCAT2 gene. It does not directly change the encoded amino acid sequence of the BCAT2 protein. This variant is present in population databases (rs781190142, gnomAD 0.006%). This variant has not been reported in the literature in individuals affected with BCAT2-related conditions. ClinVar contains an entry for this variant (Variation ID: 1900632). Algorithms developed to predict the effect of sequence changes on RNA splicing suggest that this variant may disrupt the consensus splice site. In summary, the available evidence is currently insufficient to determine the role of this variant in disease. Therefore, it has been classified as a Variant of Uncertain Significance.